The following is an entry in ClinVar:

ClinVar aggregate classification (germline): Uncertain significance (1 of 4 stars; one submission).

gnomAD v4.1: 6 of 1,611,968 alleles (0.00037%); highest among the groups gnomAD compares: South Asian, 0.0066%; no homozygotes.

Submission:

Ambry Genetics
Classification: Uncertain significance. Last evaluated: 2024-11-26. Review status: criteria provided, single submitter. Criteria: Ambry Variant Classification Scheme 2023. Collection method: clinical testing. Allele origin: germline.
Comment: The p.D477H variant (also known as c.1429G>C), located in coding exon 2 of the CDK12 gene, results from a G to C substitution at nucleotide position 1429. The aspartic acid at codon 477 is replaced by histidine, an amino acid with similar properties. This amino acid position is conserved. In addition, this alteration is predicted to be tolerated by in silico analysis. Based on the available evidence, the clinical significance of this variant remains unclear.

NM_016507.4(CDK12):c.1429G>C (p.Asp477His)

Gene: CDK12 (cyclin dependent kinase 12; plus strand). Cytogenetic location: 17q12.
Variant type: single nucleotide variant.
Coding change: c.1429G>C on transcript NM_016507.4 (MANE Select); coding-DNA position 1429, G replaced by C.
Protein change: p.Asp477His; replaces aspartic acid 477 with histidine.
Molecular consequence: missense variant.
Genome position (GRCh38, 1-based): chr17:39,471,261, G>C. VCF-style: chr17-39471261-G-C. GRCh37 (hg19) VCF-style: chr17-37627514-G-C.
Other names: c.1429G>C, p.Asp477His (NM_015083.4); short protein forms D477H.
Identifiers: ClinVar variation 3489298 (VCV003489298.1).